The following is an entry in ClinVar:

ClinVar aggregate classification (germline): Uncertain significance (1 of 4 stars; one submission).

Submission:

GeneDx
Classification: Uncertain significance. Last evaluated: 2026-01-26. Review status: criteria provided, single submitter. Criteria: GeneDx Variant Classification Process June 2021. Collection method: clinical testing. Allele origin: germline.
Comment: Not observed at significant frequency in large population cohorts (gnomAD); In silico analysis suggests that this missense variant does not alter protein structure/function; Has not been previously published as pathogenic or benign to our knowledge

NM_001940.4(ATN1):c.739C>T (p.Pro247Ser)

Gene: ATN1 (atrophin 1; plus strand). Cytogenetic location: 12p13.31.
Variant type: single nucleotide variant.
Coding change: c.739C>T on transcript NM_001940.4 (MANE Select); coding-DNA position 739, C replaced by T.
Protein change: p.Pro247Ser; replaces proline 247 with serine.
Molecular consequence: missense variant.
Genome position (GRCh38, 1-based): chr12:6,936,006, C>T. VCF-style: chr12-6936006-C-T. GRCh37 (hg19) VCF-style: chr12-7045169-C-T.
Other names: c.739C>T, p.Pro247Ser (NM_001007026.2, NM_001424176.1, NM_001424177.1 and 1 more transcripts); c.736C>T, p.Pro246Ser (NM_001424179.1, NM_001424180.1); short protein forms P246S, P247S.
Identifiers: ClinVar variation 4975700 (VCV004975700.1).